The following is an entry in ClinVar:

ClinVar aggregate classification (germline): Pathogenic. Review status: criteria provided, multiple submitters, no conflicts (2 of 4 stars). 2 submissions from 2 submitters: Pathogenic (2). Last evaluated 2025-10-03.

Conditions:
Neurofibromatosis, type 1 (NF1). Also called: Peripheral type neurofibromatosis; VON RECKLINGHAUSEN DISEASE; Neurofibromatosis, type I; NEUROFIBROMATOSIS, TYPE I, SOMATIC. Identifiers: Orphanet 636, MedGen C0027831, MONDO:0018975, OMIM 162200. Disease mechanism: loss of function.

Submissions (2):

Women's Health and Genetics/Laboratory Corporation of America, LabCorp
Classification: Pathogenic for Neurofibromatosis, type 1. Last evaluated: 2025-10-03. Review status: criteria provided, single submitter. Criteria: LabCorp Variant Classification Summary - May 2015. Collection method: clinical testing. Allele origin: germline.
Comment: Variant summary: NF1 c.400delC (p.Leu134PhefsX31) results in a premature termination codon, predicted to cause a truncation of the encoded protein or absence of the protein due to nonsense mediated decay, which are commonly known mechanisms for disease. The variant was absent in 251268 control chromosomes. To our knowledge, no occurrence of c.400delC in individuals affected with NF1-related conditions and no experimental evidence demonstrating its impact on protein function have been reported. No submitters have cited clinical-significance assessments for this variant to ClinVar. Based on the evidence outlined above, the variant was classified as pathogenic.

Labcorp Genetics (formerly Invitae), Labcorp
Classification: Pathogenic for Neurofibromatosis, type 1. Last evaluated: 2025-08-03. Review status: criteria provided, single submitter. Criteria: Invitae Variant Classification Sherloc (09022015). Collection method: clinical testing. Allele origin: germline.
Comment: This sequence change creates a premature translational stop signal (p.Leu134Phefs*31) in the NF1 gene. It is expected to result in an absent or disrupted protein product. Loss-of-function variants in NF1 are known to be pathogenic (PMID: 10712197, 23913538). This variant is not present in population databases (gnomAD no frequency). This variant has not been reported in the literature in individuals affected with NF1-related conditions. For these reasons, this variant has been classified as Pathogenic.

Literature cited by the submitters: PubMed 10712197 (cited by Labcorp Genetics (formerly Invitae), Labcorp); PubMed 23913538 (cited by Labcorp Genetics (formerly Invitae), Labcorp).

NM_001042492.3(NF1):c.400del (p.Leu134fs)

Gene: NF1 (neurofibromin 1; plus strand). Cytogenetic location: 17q11.2.
Variant type: Deletion.
Coding change: c.400del on transcript NM_001042492.3 (MANE Select); coding-DNA position 400, one base deleted (C; older notation c.400delC).
Protein change: p.Leu134fs; shifts the reading frame from leucine 134.
Molecular consequence: frameshift variant.
Genome position (GRCh38, 1-based): chr17:31,163,297, C deleted. VCF-style (leftmost placement, unchanged base first): chr17-31163296-AC-A. GRCh37 (hg19) VCF-style: chr17-29490314-AC-A.
Other names: c.400del, p.Leu134fs (NM_000267.4, NM_001128147.3); short protein forms L134fs.
Identifiers: ClinVar variation 4687585 (VCV004687585.2).
Genomic context (GRCh38, chr17:31,163,296, plus strand): 5'-GCTGCCAGAAATCTGCCATTTTCTTCACACCTGTCGTGAAGGAAACCAGCATGCAGCTGA[AC>A]TTCGGAATTCTGCCTCTGGGGTTTTATTTTCTCTCAGCTGCAACAACTTCAATGCAGTCT-3'